The following is an entry in ClinVar:

ClinVar aggregate classification (germline): Uncertain significance (1 of 4 stars; one submission).

Conditions:
Hereditary cancer-predisposing syndrome. Also called: Neoplastic Syndromes, Hereditary; Tumor predisposition; Hereditary Cancer Syndrome; Hereditary neoplastic syndrome. Identifiers: Orphanet 140162, MedGen C0027672, MeSH D009386, MONDO:0015356.

Submission:

Ambry Genetics
Classification: Uncertain significance for Hereditary cancer-predisposing syndrome. Last evaluated: 2024-07-09. Review status: criteria provided, single submitter. Criteria: Ambry Variant Classification Scheme 2023. Collection method: clinical testing. Allele origin: germline.
Comment: The p.L518M variant (also known as c.1552C>A), located in coding exon 12 of the POT1 gene, results from a C to A substitution at nucleotide position 1552. The leucine at codon 518 is replaced by methionine, an amino acid with highly similar properties. This amino acid position is conserved. In addition, this alteration is predicted to be tolerated by in silico analysis. Based on the available evidence, the clinical significance of this variant remains unclear.

NM_015450.3(POT1):c.1552C>A (p.Leu518Met)

Gene: POT1 (protection of telomeres 1; minus strand). Cytogenetic location: 7q31.33.
Variant type: single nucleotide variant.
Coding change: c.1552C>A on transcript NM_015450.3 (MANE Select); coding-DNA position 1552, C replaced by A.
Protein change: p.Leu518Met; replaces leucine 518 with methionine.
Molecular consequence: missense variant. On other transcripts: non-coding transcript variant (2).
Genome position (GRCh38, 1-based): chr7:124,829,296, G>T on the plus strand (C>A on the coding strand, the complement: POT1 is on the minus strand). VCF-style: chr7-124829296-G-T. GRCh37 (hg19) VCF-style: chr7-124469350-G-T.
Other names: c.1159C>A, p.Leu387Met (NM_001042594.2); short protein forms L518M, L387M.
Identifiers: ClinVar variation 3423101 (VCV003423101.1).